The following is an entry in ClinVar:

NM_033380.3(COL4A5):c.3535G>A (p.Gly1179Arg)

Gene: COL4A5 (collagen type IV alpha 5 chain; plus strand). Cytogenetic location: Xq22.3.
Variant type: single nucleotide variant.
Coding change: c.3535G>A on transcript NM_033380.3 (MANE Select); coding-DNA position 3535, G replaced by A.
Protein change: p.Gly1179Arg; replaces glycine 1179 with arginine.
Molecular consequence: missense variant.
Genome position (GRCh38, 1-based): chrX:108,666,576, G>A. VCF-style: chrX-108666576-G-A. GRCh37 (hg19) VCF-style: chrX-107909806-G-A.
Other names: c.3535G>A (NM_033380.1); c.3535G>A, p.Gly1179Arg (NM_000495.5); short protein forms G1179R.
Identifiers: ClinVar variation 3384336 (VCV003384336.2), dbSNP rs104886240.

ClinVar aggregate classification (germline): Pathogenic/Likely pathogenic. Review status: criteria provided, multiple submitters, no conflicts (2 of 4 stars). 2 submissions from 2 submitters: Pathogenic (1); Likely pathogenic (1). Last evaluated 2025-11-06.

Conditions:
X-linked Alport syndrome (ATS1). Also called: COL4A5-Related Nephropathy; NEPHROPATHY AND DEAFNESS, X-LINKED. Identifiers: Orphanet 63, Orphanet 88917, MedGen C4746986, MONDO:0010520, OMIM 301050.

Submissions (2):

Myriad Genetics, Inc.
Classification: Likely pathogenic for X-linked Alport syndrome. Last evaluated: 2025-11-06. Review status: criteria provided, single submitter. Criteria: Myriad Autosomal Dominant, Autosomal Recessive and X-Linked Classification Criteria (2023). Collection method: clinical testing. Allele origin: unknown.
Comment: NM_000495.4(COL4A5):c.3535G>A(G1179R) is a missense variant classified as likely pathogenic in the context of X-linked Alport syndrome. G1179R has been observed in cases with relevant disease (PMID: 15954103, 30968591). Relevant functional assessments of this variant are not available in the literature. Internal structural analysis of the variant is supportive of pathogenicity. G1179R has not been observed in referenced population frequency databases. In summary, NM_000495.4(COL4A5):c.3535G>A(G1179R) is a missense variant that has internal structural support for pathogenicity and has been observed more frequently in cases with the relevant disease than in healthy populations. Please note: this variant was assessed in the context of healthy population screening.

GeneDx
Classification: Pathogenic. Last evaluated: 2024-06-04. Review status: criteria provided, single submitter. Criteria: GeneDx Variant Classification Process June 2021. Collection method: clinical testing. Allele origin: germline. Affected: yes.
Comment: Affects a glycine residue in a Gly-X-Y motif in the triple helical region of the COL4A5 gene, where the majority of pathogenic missense variants occur, and is predicted to disrupt normal protein folding and function (HGMD) (PMID: 10752524); Not observed at significant frequency in large population cohorts (gnomAD); In silico analysis supports that this missense variant has a deleterious effect on protein structure/function; This variant is associated with the following publications: (PMID: 10752524, 15954103, Deng_2021_article, 30968591)

Literature cited by the submitters: PubMed 15954103 (cited by Myriad Genetics, Inc.); PubMed 30968591 (cited by Myriad Genetics, Inc.).